The following is an entry in ClinVar:

NM_000744.7(CHRNA4):c.-25C>T

Genes: CHRNA4 (cholinergic receptor nicotinic alpha 4 subunit; minus strand), LOC100130587 (uncharacterized LOC100130587; plus strand). Cytogenetic location: 20q13.33.
Variant type: single nucleotide variant.
Coding change: c.-25C>T on transcript NM_000744.7 (MANE Select); 25 bases upstream of the start codon, C replaced by T.
Molecular consequence: 5 prime UTR variant. On other transcripts: non-coding transcript variant (1).
Genome position (GRCh38, 1-based): chr20:63,361,190, G>A on the plus strand (C>T on the coding strand, the complement: CHRNA4 is on the minus strand). VCF-style: chr20-63361190-G-A. GRCh37 (hg19) VCF-style: chr20-61992542-G-A.
Other names: c.-484C>T (NM_001256573.2).
Identifiers: ClinVar variation 373643 (VCV000373643.1), dbSNP rs1057518525, ClinGen allele CA16043145.

ClinVar aggregate classification (germline): Likely benign (1 of 4 stars; one submission).

Allele frequency attached by ClinVar (database versions not stated): gnomAD 0.00001; TOPMed 0.00002.
gnomAD v4.1: 12 of 1,460,014 alleles (0.00082%); highest among the groups gnomAD compares: Non-Finnish European, 0.0011%; no homozygotes.

Submission:

GeneDx
Classification: Likely benign. Last evaluated: 2016-12-06. Review status: criteria provided, single submitter. Criteria: GeneDx Variant Classification (06012015). Collection method: clinical testing. Allele origin: germline. Affected: yes.
Comment: This variant is considered likely benign or benign based on one or more of the following criteria: it is a conservative change, it occurs at a poorly conserved position in the protein, it is predicted to be benign by multiple in silico algorithms, and/or has population frequency not consistent with disease.